The following is an entry in ClinVar:

NM_001270.4(CHD1):c.2042A>G (p.Tyr681Cys)

Gene: CHD1 (chromodomain helicase DNA binding protein 1; minus strand). Cytogenetic location: 5q15.
Variant type: single nucleotide variant.
Coding change: c.2042A>G on transcript NM_001270.4 (MANE Select); coding-DNA position 2042, A replaced by G.
Protein change: p.Tyr681Cys; replaces tyrosine 681 with cysteine.
Molecular consequence: missense variant. On other transcripts: non-coding transcript variant (2).
Genome position (GRCh38, 1-based): chr5:98,892,663, T>C on the plus strand (A>G on the coding strand, the complement: CHD1 is on the minus strand). VCF-style: chr5-98892663-T-C. GRCh37 (hg19) VCF-style: chr5-98228367-T-C.
Other names: c.2042A>G, p.Tyr681Cys (NM_001364113.3, NM_001376194.2); short protein forms Y681C.
Identifiers: ClinVar variation 1709126 (VCV001709126.2), dbSNP rs2479638641, ClinGen allele CA360516003.

ClinVar aggregate classification (germline): Uncertain significance (1 of 4 stars; one submission).

Conditions:
Pilarowski-Bjornsson syndrome. Also called: DEVELOPMENTAL DELAY AND SPEECH APRAXIA WITH OR WITHOUT SEIZURES. Identifiers: Orphanet 529965, MedGen C4540131, MONDO:0060568, OMIM 617682.

Allele frequency attached by ClinVar (database versions not stated): gnomAD exomes below 0.00001.
gnomAD v4.1: 3 of 1,612,406 alleles (0.00019%); highest among the groups gnomAD compares: African/African-American, 0.004%; no homozygotes.

Submission:

MGZ Medical Genetics Center
Classification: Uncertain significance for Pilarowski-Bjornsson syndrome. Last evaluated: 2022-05-17. Review status: criteria provided, single submitter. Criteria: ACMG Guidelines, 2015. Collection method: clinical testing. Allele origin: germline. Affected: yes. Observed: 1 variant allele.
Comment: ACMG criteria applied: PM2_SUP, PP2, PP3